The following is an entry in ClinVar:

NM_175875.5(SIX5):c.1675G>A (p.Gly559Ser)

Gene: SIX5 (SIX homeobox 5; minus strand). Cytogenetic location: 19q13.32.
Variant type: single nucleotide variant.
Coding change: c.1675G>A on transcript NM_175875.5 (MANE Select); coding-DNA position 1675, G replaced by A.
Protein change: p.Gly559Ser; replaces glycine 559 with serine.
Molecular consequence: missense variant.
Genome position (GRCh38, 1-based): chr19:45,766,046, C>T on the plus strand (G>A on the coding strand, the complement: SIX5 is on the minus strand). VCF-style: chr19-45766046-C-T. GRCh37 (hg19) VCF-style: chr19-46269304-C-T.
Other names: short protein forms G559S.
Identifiers: ClinVar variation 1991908 (VCV001991908.4), dbSNP rs374039470, ClinGen allele CA9520543.

ClinVar aggregate classification (germline): Uncertain significance (1 of 4 stars; one submission).

Allele frequency attached by ClinVar (database versions not stated): gnomAD exomes 0.00001.
gnomAD v4.1: 17 of 1,611,658 alleles (0.0011%); highest among the groups gnomAD compares: South Asian, 0.0088%; no homozygotes.

Submission:

Labcorp Genetics (formerly Invitae), Labcorp
Classification: Uncertain significance. Last evaluated: 2023-09-29. Review status: criteria provided, single submitter. Criteria: Invitae Variant Classification Sherloc (09022015). Collection method: clinical testing. Allele origin: germline.
Comment: This sequence change replaces glycine, which is neutral and non-polar, with serine, which is neutral and polar, at codon 559 of the SIX5 protein (p.Gly559Ser). This variant is present in population databases (rs374039470, gnomAD 0.01%). This variant has not been reported in the literature in individuals affected with SIX5-related conditions. ClinVar contains an entry for this variant (Variation ID: 1991908). Advanced modeling of protein sequence and biophysical properties (such as structural, functional, and spatial information, amino acid conservation, physicochemical variation, residue mobility, and thermodynamic stability) performed at Invitae indicates that this missense variant is not expected to disrupt SIX5 protein function. In summary, the available evidence is currently insufficient to determine the role of this variant in disease. Therefore, it has been classified as a Variant of Uncertain Significance.